The following is an entry in ClinVar:

NM_016151.4(TAOK2):c.1901G>A (p.Arg634Gln)

Gene: TAOK2 (TAO kinase 2; plus strand). Cytogenetic location: 16p11.2.
Variant type: single nucleotide variant.
Coding change: c.1901G>A on transcript NM_016151.4 (MANE Select); coding-DNA position 1901, G replaced by A.
Protein change: p.Arg634Gln; replaces arginine 634 with glutamine.
Molecular consequence: missense variant.
Genome position (GRCh38, 1-based): chr16:29,985,770, G>A. VCF-style: chr16-29985770-G-A. GRCh37 (hg19) VCF-style: chr16-29997091-G-A.
Other names: c.1901G>A (NM_016151.2); c.1901G>A, p.Arg634Gln (NM_001252043.2, NM_004783.4); short protein forms R634Q.
Identifiers: ClinVar variation 1410021 (VCV001410021.7), dbSNP rs1444531731, ClinGen allele CA395487826.

ClinVar aggregate classification (germline): Uncertain significance. Review status: criteria provided, multiple submitters, no conflicts (2 of 4 stars). 2 submissions from 2 submitters: Uncertain significance (2). Last evaluated 2025-08-22.

Allele frequency attached by ClinVar (database versions not stated): gnomAD exomes below 0.00001 and 0.00001.
gnomAD v4.1: 3 of 1,611,204 alleles (0.00019%); highest among the groups gnomAD compares: South Asian, 0.0011%; no homozygotes.

Submissions (2):

Ambry Genetics
Classification: Uncertain significance. Last evaluated: 2025-08-22. Review status: criteria provided, single submitter. Criteria: Ambry Variant Classification Scheme 2023. Collection method: clinical testing. Allele origin: germline.

Labcorp Genetics (formerly Invitae), Labcorp
Classification: Uncertain significance. Last evaluated: 2021-08-08. Review status: criteria provided, single submitter. Criteria: Invitae Variant Classification Sherloc (09022015). Collection method: clinical testing. Allele origin: germline.
Comment: In summary, the available evidence is currently insufficient to determine the role of this variant in disease. Therefore, it has been classified as a Variant of Uncertain Significance. Algorithms developed to predict the effect of missense changes on protein structure and function are either unavailable or do not agree on the potential impact of this missense change (SIFT: "Tolerated"; PolyPhen-2: "Possibly Damaging"; Align-GVGD: "Class C0"). This variant has not been reported in the literature in individuals affected with TAOK2-related conditions. This variant is not present in population databases (ExAC no frequency). This sequence change replaces arginine with glutamine at codon 634 of the TAOK2 protein (p.Arg634Gln). The arginine residue is moderately conserved and there is a small physicochemical difference between arginine and glutamine.